The following is an entry in ClinVar:

ClinVar aggregate classification (germline): Pathogenic/Likely pathogenic. Review status: criteria provided, multiple submitters, no conflicts (2 of 4 stars). 4 submissions from 4 submitters: Pathogenic (3); Likely pathogenic (1). Last evaluated 2025-01-13.

Conditions:
Intellectual disability, autosomal dominant 24 (VSVS). Also called: VULTO-VAN SILFHOUT-DE VRIES SYNDROME. Identifiers: MedGen C4014414, MONDO:0014357, OMIM 615828.
Intellectual disability-epilepsy-extrapyramidal syndrome (NEDHELS). Also called: Dyskinesia, seizures, and intellectual developmental disorder. Identifiers: Orphanet 468620, MedGen C4310683, MONDO:0014952, OMIM 617171.

Submissions (4):

Institute of Human Genetics, Heidelberg University
Classification: Pathogenic for Intellectual disability, autosomal dominant 24; Intellectual disability-epilepsy-extrapyramidal syndrome. Last evaluated: 2025-01-13. Review status: criteria provided, single submitter. Criteria: ACMG Guidelines, 2015. Collection method: clinical testing. Allele origin: unknown. Affected: yes. Observed: 1 variant allele.
Comment: PM2_supp, PP3_mod, PM1_mod, PS4_supp, PS3_strong

Dasa
Classification: Pathogenic. Last evaluated: 2024-12-28. Review status: criteria provided, single submitter. Criteria: DASA Assertion Criteria. Collection method: clinical testing. Allele origin: germline.
Comment: NM_021008.4(DEAF1):c.748A>G (p.Lys250Glu) introduces a lysine-to-glutamic acid substitution within a critical domain, supported by functional studies and reports in individuals with DEAF1-related neurodevelopmental disorders (PMID: 35981081). Based on the available data, this variant is classified as pathogenic.

GeneDx
Classification: Pathogenic. Last evaluated: 2024-03-10. Review status: criteria provided, single submitter. Criteria: GeneDx Variant Classification Process June 2021. Collection method: clinical testing. Allele origin: germline. Affected: yes.
Comment: Published functional studies demonstrate this variant reduces transcriptional activation activity as compared to wildtype (PMID: 35981081); Not observed at significant frequency in large population cohorts (gnomAD); In silico analysis supports that this missense variant has a deleterious effect on protein structure/function; This variant is associated with the following publications: (PMID: 35981081, 33057194, 35982159)

Institute of Medical Genetics and Applied Genomics, University Hospital Tübingen
Classification: Likely pathogenic for Intellectual disability, autosomal dominant 24. Last evaluated: 2022-07-11. Review status: criteria provided, single submitter. Criteria: ACMG Guidelines, 2015. Collection method: clinical testing. Allele origin: germline. Inheritance: Autosomal dominant inheritance. Affected: yes.

Literature cited by the submitters: PubMed 35981081 (cited by Dasa); PubMed 33057194 (cited by Dasa); PubMed 35982159 (cited by Dasa).

NM_021008.4(DEAF1):c.748A>G (p.Lys250Glu)

Gene: DEAF1 (DEAF1 transcription factor; minus strand). Cytogenetic location: 11p15.5.
Variant type: single nucleotide variant.
Coding change: c.748A>G on transcript NM_021008.4 (MANE Select); coding-DNA position 748, A replaced by G.
Protein change: p.Lys250Glu; replaces lysine 250 with glutamic acid.
Molecular consequence: missense variant. On other transcripts: intron variant (1).
Genome position (GRCh38, 1-based): chr11:686,914, T>C on the plus strand (A>G on the coding strand, the complement: DEAF1 is on the minus strand). VCF-style: chr11-686914-T-C. GRCh37 (hg19) VCF-style: chr11-686914-T-C.
Other names: c.22A>G, p.Lys8Glu (NM_001367390.1, NM_001440885.1, NM_001440886.1 and 1 more transcripts); c.748A>G, p.Lys250Glu (NM_001440883.1, NM_001440884.1); c.664+997A>G (NM_001293634.2); short protein forms K250E, K8E.
Identifiers: ClinVar variation 1695344 (VCV001695344.4), dbSNP rs2133402368, ClinGen allele CA378932205.